The following is an entry in ClinVar:

ClinVar aggregate classification (germline): Uncertain significance (1 of 4 stars; one submission).

Conditions:
Developmental and epileptic encephalopathy, 42 (DEE42A). Also called: Epileptic encephalopathy, early infantile, 42; DEVELOPMENTAL AND EPILEPTIC ENCEPHALOPATHY 42A; EPILEPTIC ENCEPHALOPATHY, EARLY INFANTILE, 42A. Identifiers: MedGen C4310716, MONDO:0014917, OMIM 617106.
Episodic ataxia type 2 (EA2). Also called: CEREBELLAR ATAXIA, PAROXYSMAL, ACETAZOLAMIDE-RESPONSIVE; CEREBELLOPATHY, HEREDITARY PAROXYSMAL; EPISODIC ATAXIA, NYSTAGMUS-ASSOCIATED; ATAXIA, EPISODIC, WITH NYSTAGMUS; ATAXIA, FAMILIAL PAROXYSMAL; ACETAZOLAMIDE-RESPONSIVE HEREDITARY PAROXYSMAL CEREBELLAR ATAXIA. Identifiers: Orphanet 97, MedGen C1720416, MONDO:0007163, OMIM 108500.

Submission:

Labcorp Genetics (formerly Invitae), Labcorp
Classification: Uncertain significance for Developmental and epileptic encephalopathy, 42; Episodic ataxia type 2. Last evaluated: 2020-01-28. Review status: criteria provided, single submitter. Criteria: Invitae Variant Classification Sherloc (09022015). Collection method: clinical testing. Allele origin: germline.
Comment: This variant has not been reported in the literature in individuals with CACNA1A-related conditions. This variant is not present in population databases (ExAC no frequency). This sequence change replaces cysteine with arginine at codon 556 of the CACNA1A protein (p.Cys556Arg). The cysteine residue is highly conserved and there is a large physicochemical difference between cysteine and arginine. Algorithms developed to predict the effect of missense changes on protein structure and function (SIFT, PolyPhen-2, Align-GVGD) all suggest that this variant is likely to be disruptive, but these predictions have not been confirmed by published functional studies and their clinical significance is uncertain. In summary, the available evidence is currently insufficient to determine the role of this variant in disease. Therefore, it has been classified as a Variant of Uncertain Significance.

NM_001127222.2(CACNA1A):c.1663T>C (p.Cys555Arg)

Gene: CACNA1A (calcium voltage-gated channel subunit alpha1 A; minus strand). Cytogenetic location: 19p13.13.
Variant type: single nucleotide variant.
Coding change: c.1663T>C on transcript NM_001127222.2 (MANE Select); coding-DNA position 1663, T replaced by C.
Protein change: p.Cys555Arg; replaces cysteine 555 with arginine.
Molecular consequence: missense variant.
Genome position (GRCh38, 1-based): chr19:13,312,674, A>G on the plus strand (T>C on the coding strand, the complement: CACNA1A is on the minus strand). VCF-style: chr19-13312674-A-G. GRCh37 (hg19) VCF-style: chr19-13423488-A-G.
Other names: c.1666T>C, p.Cys556Arg (NM_000068.4, NM_001127221.2, NM_001174080.2 and 1 more transcripts); short protein forms C555R, C556R.
Identifiers: ClinVar variation 640177 (VCV000640177.9), dbSNP rs1600303388, ClinGen allele CA404345285.
Genomic context (GRCh38, chr19:13,312,674, plus strand): 5'-CTGTCATTCCAGGCAAGAGCTGGAGAAATGAACTCTTAGAAACAAGAGCACTTACCCCAC[A>G]GTCAAAGCAGTTGAAGGAAGAGTGGAAGTAAGGCCGCGTCCCAAGCCCGTACATTTTTAT-3'
Protein context (NP_001120694.1, residues 545-565): YFHSSFNCFD[Cys555Arg]GVIIGSIFEV